The following is an entry in ClinVar:

ClinVar aggregate classification (germline): Uncertain significance (1 of 4 stars; one submission).

Conditions:
Joubert syndrome. Also called: CEREBELLOPARENCHYMAL DISORDER IV; JOUBERT-BOLTSHAUSER SYNDROME; Familial aplasia of the vermis. Identifiers: Orphanet 475, MedGen C5979921, MONDO:0018772.
Orofaciodigital syndrome I (OFD1). Also called: OFDS I; Papillon-Leage and Psaume Syndrome; Oral-Facial-Digital Syndrome Type I. Identifiers: Orphanet 2750, MedGen C1510460, MONDO:0010702, OMIM 311200.

Submission:

Labcorp Genetics (formerly Invitae), Labcorp
Classification: Uncertain significance for Orofaciodigital syndrome I; Joubert syndrome. Last evaluated: 2023-05-01. Review status: criteria provided, single submitter. Criteria: Invitae Variant Classification Sherloc (09022015). Collection method: clinical testing. Allele origin: germline.
Comment: In summary, the available evidence is currently insufficient to determine the role of this variant in disease. Therefore, it has been classified as a Variant of Uncertain Significance. Algorithms developed to predict the effect of sequence changes on RNA splicing suggest that this variant may disrupt the consensus splice site. This variant has not been reported in the literature in individuals affected with OFD1-related conditions. This variant is not present in population databases (gnomAD no frequency). This sequence change falls in intron 7 of the OFD1 gene. It does not directly change the encoded amino acid sequence of the OFD1 protein.

NM_003611.3(OFD1):c.655-6T>A

Gene: OFD1 (OFD1 centriole and centriolar satellite protein; plus strand). Cytogenetic location: Xp22.2.
Variant type: single nucleotide variant.
Coding change: c.655-6T>A on transcript NM_003611.3 (MANE Select); 6 bases into the intron before coding-DNA position 655, T replaced by A.
Molecular consequence: intron variant.
Genome position (GRCh38, 1-based): chrX:13,746,774, T>A. VCF-style: chrX-13746774-T-A. GRCh37 (hg19) VCF-style: chrX-13764893-T-A.
Other names: c.235-6T>A (NM_001330210.2); c.655-6T>A (NM_001330209.2).
Identifiers: ClinVar variation 2947373 (VCV002947373.3), dbSNP rs2518838181, ClinGen allele CA2740092016.